The following is an entry in ClinVar:

NM_015330.6(SPECC1L):c.2397-8A>G

Genes: SPECC1L (sperm antigen with calponin homology and coiled-coil domains 1 like; plus strand), SPECC1L-ADORA2A (SPECC1L-ADORA2A readthrough (NMD candidate); plus strand). Cytogenetic location: 22q11.23.
Variant type: single nucleotide variant.
Coding change: c.2397-8A>G on transcript NM_015330.6 (MANE Select); 8 bases into the intron before coding-DNA position 2397, A replaced by G.
Molecular consequence: intron variant.
Genome position (GRCh38, 1-based): chr22:24,334,402, A>G. VCF-style: chr22-24334402-A-G. GRCh37 (hg19) VCF-style: chr22-24730370-A-G.
Other names: c.2397-8A>G (NM_001145468.4, NM_001254732.3).
Identifiers: ClinVar variation 733294 (VCV000733294.9), dbSNP rs761359893, ClinGen allele CA10152306.
Genomic context (GRCh38, chr22:24,334,402, plus strand): 5'-CTGGGAGGGGAAAATGTGTATGTTCTAGTACCTATGTAAAAATGCTCTGATTTCAATATT[A>G]TTTTCAGGCAAGAGGAGGAGCGAGGCCGGGTATACAATTACATGAATGCCGTTGAGAGAG-3'

ClinVar aggregate classification (germline): Likely benign. Review status: criteria provided, single submitter (1 of 4 stars). 2 submissions from 2 submitters: Likely benign (1). 1 of the submissions does not count toward it. Last evaluated 2024-02-02.

Conditions:
SPECC1L-related disorder. Also called: SPECC1L-related condition.

Allele frequency attached by ClinVar (database versions not stated): ExAC 0.00002; TOPMed 0.00006; gnomAD 0.00004; gnomAD exomes 0.00007 and 0.00003.
gnomAD v4.1: 24 of 1,613,754 alleles (0.0015%); highest among the groups gnomAD compares: Admixed American, 0.04%; no homozygotes.

Submissions (2):

Labcorp Genetics (formerly Invitae), Labcorp
Classification: Likely benign. Last evaluated: 2024-02-02. Review status: criteria provided, single submitter. Criteria: Invitae Variant Classification Sherloc (09022015). Collection method: clinical testing. Allele origin: germline.

PreventionGenetics, part of Exact Sciences
Classification: Likely benign for SPECC1L-related condition. Last evaluated: 2020-12-08. Review status: no assertion criteria provided. Collection method: clinical testing. Allele origin: germline. Not counted in ClinVar's aggregate classification.
Comment: This variant is classified as likely benign based on ACMG/AMP sequence variant interpretation guidelines (Richards et al. 2015 PMID: 25741868, with internal and published modifications).